The following is an entry in ClinVar:

ClinVar aggregate classification (germline): Likely pathogenic (1 of 4 stars; one submission).

Conditions:
Dilated cardiomyopathy 1G (CMD1G). Identifiers: Orphanet 154, MedGen C1858763, MONDO:0011400, OMIM 604145.
Autosomal recessive limb-girdle muscular dystrophy type 2J (LGMDR10). Also called: Limb-girdle muscular dystrophy, type 2J; MUSCULAR DYSTROPHY, LIMB-GIRDLE, AUTOSOMAL RECESSIVE 10. Identifiers: Orphanet 140922, MedGen C1837342, MONDO:0012127, OMIM 608807.

Submission:

Labcorp Genetics (formerly Invitae), Labcorp
Classification: Likely pathogenic for Dilated cardiomyopathy 1G; Autosomal recessive limb-girdle muscular dystrophy type 2J. Last evaluated: 2019-11-04. Review status: criteria provided, single submitter. Criteria: Invitae Variant Classification Sherloc (09022015). Collection method: clinical testing. Allele origin: germline.
Comment: In summary, the currently available evidence indicates that the variant is pathogenic, but additional data are needed to prove that conclusively. Therefore, this variant has been classified as Likely Pathogenic. This variant is located in the A band of TTN (PMID: 25589632). Truncating variants in this region are significantly overrepresented in patients affected with dilated cardiomyopathy (PMID: 25589632). Truncating variants in this region have also been reported in individuals affected with autosomal recessive centronuclear myopathy (PMID: 23975875). This variant has not been reported in the literature in individuals with TTN-related conditions. This variant is not present in population databases (ExAC no frequency). This sequence change results in a premature translational stop signal in the TTN gene (p.Trp18319*). While this is not anticipated to result in nonsense mediated decay, it is expected to create a truncated TTN protein.

Literature cited by the submitters: PubMed 25589632; PubMed 23975875.

NM_001267550.2(TTN):c.54957G>A (p.Trp18319Ter)

Genes: TTN-AS1 (TTN antisense RNA 1; plus strand), TTN (titin; minus strand). Cytogenetic location: 2q31.2.
Variant type: single nucleotide variant.
Coding change: c.54957G>A on transcript NM_001267550.2 (MANE Select); coding-DNA position 54957, G replaced by A.
Protein change: p.Trp18319Ter; replaces tryptophan 18319 with a stop codon.
Molecular consequence: nonsense.
Genome position (GRCh38, 1-based): chr2:178,602,445, C>T on the plus strand (G>A on the coding strand, the complement: TTN is on the minus strand). VCF-style: chr2-178602445-C-T. GRCh37 (hg19) VCF-style: chr2-179467172-C-T.
Other names: c.50034G>A, p.Trp16678Ter (NM_001256850.1); c.27762G>A, p.Trp9254Ter (NM_003319.4); c.47253G>A, p.Trp15751Ter (NM_133378.4); c.28137G>A, p.Trp9379Ter (NM_133432.3); c.28338G>A, p.Trp9446Ter (NM_133437.4); short protein forms W16678*, W18319*, W9379*, W15751*, W9254*, W9446*.
Identifiers: ClinVar variation 965622 (VCV000965622.10), dbSNP rs2053697356, ClinGen allele CA349546308.
Genomic context (GRCh38, chr2:178,602,445, plus strand): 5'-CAGATTAGGCACCACACATTCACAGGTAGTTATAAGTTTGTCTGGTTCATTTACTCTTTT[C>T]CAGTCAGTAGTACCTTCTTCTTGCATTTCTACAATGTATCCTTTGATTGGGCTGCCACCA-3'